The following is an entry in ClinVar:

NM_130811.4(SNAP25):c.34GAG[1] (p.Glu13del)

Gene: SNAP25 (synaptosome associated protein 25; plus strand). Cytogenetic location: 20p12.2.
Variant type: Microsatellite.
Coding change: c.34GAG[1] on transcript NM_130811.4 (MANE Select); one copy of the 3-base unit GAG starting at c.34; the reference has two copies in a row; one copy, 3 bases deleted.
Protein change: p.Glu13del; deletes glutamic acid 13.
Molecular consequence: inframe deletion.
Genome position (GRCh38, 1-based): chr20:10,275,528-10,275,530, GAG deleted; deleting any 3 consecutive bases within chr20:10,275,524-10,275,530 gives the same sequence; the position shown is the placement nearest the transcript's 3' end. VCF-style (leftmost placement, unchanged base first): chr20-10275523-TGGA-T. GRCh37 (hg19) VCF-style: chr20-10256171-TGGA-T.
Other names: c.34GAG[1], p.Glu13del (NM_001322902.2, NM_001322903.2, NM_001322904.2 and 7 more transcripts); short protein forms E13del.
Identifiers: ClinVar variation 1965518 (VCV001965518.5), dbSNP rs2514779017, ClinGen allele CA2580614995.

ClinVar aggregate classification (germline): Uncertain significance (1 of 4 stars; one submission).

Conditions:
Congenital myasthenic syndrome 18. Also called: MYASTHENIC SYNDROME, CONGENITAL, 18, WITH INTELLECTUAL DISABILITY AND ATAXIA. Identifiers: Orphanet 590, MedGen C4225364, MONDO:0014590, OMIM 616330.

Submission:

Labcorp Genetics (formerly Invitae), Labcorp
Classification: Uncertain significance for Congenital myasthenic syndrome 18. Last evaluated: 2022-11-22. Review status: criteria provided, single submitter. Criteria: Invitae Variant Classification Sherloc (09022015). Collection method: clinical testing. Allele origin: germline.
Comment: This variant, c.37_39del, results in the deletion of 1 amino acid(s) of the SNAP25 protein (p.Glu13del), but otherwise preserves the integrity of the reading frame. This variant is not present in population databases (gnomAD no frequency). This variant has not been reported in the literature in individuals affected with SNAP25-related conditions. Experimental studies and prediction algorithms are not available or were not evaluated, and the functional significance of this variant is currently unknown. In summary, the available evidence is currently insufficient to determine the role of this variant in disease. Therefore, it has been classified as a Variant of Uncertain Significance.